The following is an entry in ClinVar:

ClinVar aggregate classification (germline): Uncertain significance (1 of 4 stars; one submission).

Submission:

Labcorp Genetics (formerly Invitae), Labcorp
Classification: Uncertain significance. Last evaluated: 2022-11-08. Review status: criteria provided, single submitter. Criteria: Invitae Variant Classification Sherloc (09022015). Collection method: clinical testing. Allele origin: germline.
Comment: In summary, the available evidence is currently insufficient to determine the role of this variant in disease. Therefore, it has been classified as a Variant of Uncertain Significance. Advanced modeling of protein sequence and biophysical properties (such as structural, functional, and spatial information, amino acid conservation, physicochemical variation, residue mobility, and thermodynamic stability) performed at Invitae indicates that this missense variant is not expected to disrupt COMP protein function. This variant has not been reported in the literature in individuals affected with COMP-related conditions. This variant is not present in population databases (gnomAD no frequency). This sequence change replaces serine, which is neutral and polar, with asparagine, which is neutral and polar, at codon 235 of the COMP protein (p.Ser235Asn).

NM_000095.3(COMP):c.704G>A (p.Ser235Asn)

Gene: COMP (cartilage oligomeric matrix protein; minus strand). Cytogenetic location: 19p13.11.
Variant type: single nucleotide variant.
Coding change: c.704G>A on transcript NM_000095.3 (MANE Select); coding-DNA position 704, G replaced by A.
Protein change: p.Ser235Asn; replaces serine 235 with asparagine.
Molecular consequence: missense variant.
Genome position (GRCh38, 1-based): chr19:18,788,650, C>T on the plus strand (G>A on the coding strand, the complement: COMP is on the minus strand). VCF-style: chr19-18788650-C-T. GRCh37 (hg19) VCF-style: chr19-18899459-C-T.
Other names: short protein forms S235N.
Identifiers: ClinVar variation 2109350 (VCV002109350.4), dbSNP rs2512852339, ClinGen allele CA404893748.